The following is an entry in ClinVar:

NM_001122630.2(CDKN1C):c.872del (p.Pro291fs)

Gene: CDKN1C (cyclin dependent kinase inhibitor 1C; minus strand). Cytogenetic location: 11p15.4.
Variant type: Deletion.
Coding change: c.872del on transcript NM_001122630.2 (MANE Select); coding-DNA position 872, one base deleted (C; older notation c.872delC).
Protein change: p.Pro291fs; shifts the reading frame from proline 291.
Molecular consequence: frameshift variant.
Genome position (GRCh38, 1-based): chr11:2,884,050, G deleted on the plus strand (C on the coding strand, the reverse complement: CDKN1C is on the minus strand); the first of 4 consecutive G bases (chr11:2,884,050-2,884,053); deleting any one gives the same sequence. VCF-style (leftmost placement, unchanged base first): chr11-2884049-AG-A. GRCh37 (hg19) VCF-style: chr11-2905279-AG-A.
Other names: c.905delC (NM_000076.2); c.905del, p.Pro302fs (NM_000076.2, NM_001362474.2, LRG_533t1); c.872del, p.Pro291fs (NM_001122631.2); c.340del, p.Leu114fs (NM_001362475.2); short protein forms L114fs, P291fs, P302fs.
Identifiers: ClinVar variation 132870 (VCV000132870.8), dbSNP rs483352997, ClinGen allele CA216366914.

ClinVar aggregate classification (germline): Likely pathogenic (1 of 4 stars; one submission).

Conditions:
Beckwith-Wiedemann syndrome (BWS). Also called: Exomphalos macroglossia gigantism syndrome; EMG SYNDROME. Identifiers: Orphanet 116, MedGen C0004903, MONDO:0007534, OMIM 130650.

Submission:

Labcorp Genetics (formerly Invitae), Labcorp
Classification: Likely pathogenic for Beckwith-Wiedemann syndrome. Last evaluated: 2019-10-20. Review status: criteria provided, single submitter. Criteria: Invitae Variant Classification Sherloc (09022015). Collection method: clinical testing. Allele origin: germline.
Comment: In summary, the currently available evidence indicates that the variant is pathogenic, but additional data are needed to prove that conclusively. Therefore, this variant has been classified as Likely Pathogenic. This variant disrupts a region of the protein in which other variant(s) (p.Arg316Trp) have been observed in individuals with CDKN1C-related conditions (PMID: 10424811). This suggests that this may be a clinically significant region of the CDKN1C protein. This variant has been observed in individuals affected with clinical features of Beckwith–Wiedemann syndrome (PMID: 26077438, Invitae). The frequency data for this variant in the population databases is considered unreliable, as metrics indicate insufficient coverage at this position in the ExAC database. This sequence change results in a frameshift in the CDKN1C gene (p.Pro302Leufs*19). While this is not anticipated to result in nonsense mediated decay, it is expected to disrupt the last 15 amino acids of the CDKN1C protein and extend the protein by an additional 3 amino acids.

Literature cited by the submitters: PubMed 10424811; PubMed 26077438.